The following is an entry in ClinVar:

ClinVar aggregate classification (germline): Uncertain significance. Review status: criteria provided, multiple submitters, no conflicts (2 of 4 stars). 2 submissions from 2 submitters: Uncertain significance (2). Last evaluated 2022-07-06.

Conditions:
Autosomal recessive ataxia, Beauce type. Also called: SYNE1-Related Autosomal Recessive Cerebellar Ataxia; Spinocerebellar ataxia, autosomal recessive 8; ATAXIA, RECESSIVE, OF BEAUCE; SYNE1 Deficiency. Identifiers: Orphanet 88644, MedGen C1853116, MONDO:0012549, OMIM 610743.
Emery-Dreifuss muscular dystrophy 4, autosomal dominant (EDMD4). Also called: EMERY-DREIFUSS MUSCULAR DYSTROPHY 4 WITH VARIABLE FEATURES. Identifiers: Orphanet 261, MedGen C2751807, MONDO:0013071, OMIM 612998.

Allele frequency attached by ClinVar (database versions not stated): TOPMed 0.00002.
gnomAD v4.1: 13 of 1,614,124 alleles (0.00081%); highest among the groups gnomAD compares: Admixed American, 0.0083%; no homozygotes.

Submissions (2):

Labcorp Genetics (formerly Invitae), Labcorp
Classification: Uncertain significance for Emery-Dreifuss muscular dystrophy 4, autosomal dominant; Autosomal recessive ataxia, Beauce type. Last evaluated: 2022-07-06. Review status: criteria provided, single submitter. Criteria: Invitae Variant Classification Sherloc (09022015). Collection method: clinical testing. Allele origin: germline.
Comment: In summary, the available evidence is currently insufficient to determine the role of this variant in disease. Therefore, it has been classified as a Variant of Uncertain Significance. Algorithms developed to predict the effect of missense changes on protein structure and function (SIFT, PolyPhen-2, Align-GVGD) all suggest that this variant is likely to be tolerated. This variant has not been reported in the literature in individuals affected with SYNE1-related conditions. This variant is present in population databases (rs542032376, gnomAD 0.009%). This sequence change replaces arginine, which is basic and polar, with histidine, which is basic and polar, at codon 2069 of the SYNE1 protein (p.Arg2069His).

Revvity Omics, Revvity
Classification: Uncertain significance. Last evaluated: 2021-07-02. Review status: criteria provided, single submitter. Criteria: ACMG Guidelines, 2015. Collection method: clinical testing. Allele origin: germline.

NM_182961.4(SYNE1):c.6185G>A (p.Arg2062His)

Gene: SYNE1 (spectrin repeat containing nuclear envelope protein 1; minus strand). Cytogenetic location: 6q25.2.
Variant type: single nucleotide variant.
Coding change: c.6185G>A on transcript NM_182961.4 (MANE Select); coding-DNA position 6185, G replaced by A.
Protein change: p.Arg2062His; replaces arginine 2062 with histidine.
Molecular consequence: missense variant.
Genome position (GRCh38, 1-based): chr6:152,413,397, C>T on the plus strand (G>A on the coding strand, the complement: SYNE1 is on the minus strand). VCF-style: chr6-152413397-C-T. GRCh37 (hg19) VCF-style: chr6-152734532-C-T.
Other names: c.6206G>A, p.Arg2069His (NM_033071.5); short protein forms R2069H, R2062H.
Identifiers: ClinVar variation 2157378 (VCV002157378.7), dbSNP rs542032376, ClinGen allele CA150206007.
Genomic context (GRCh38, chr6:152,413,397, plus strand): 5'-TGGGTTTTGACTTACTTTTCATGAATTAGTCTTTTGGTATCATCCCAGGTGACCTCTAAG[C>T]GGTTTATCTCCCTGTCAACTTCAGGTGCAAAAGCTACATCTTTCTGGGCAATTTGCTTGG-3'
Protein context (NP_892006.3, residues 2052-2072): FAPEVDREIN[Arg2062His]LEVTWDDTKR